The following is an entry in ClinVar:

NM_014112.5(TRPS1):c.3717T>A (p.Asp1239Glu)

Gene: TRPS1 (transcriptional repressor GATA binding 1; minus strand). Cytogenetic location: 8q23.3.
Variant type: single nucleotide variant.
Coding change: c.3717T>A on transcript NM_014112.5 (MANE Select); coding-DNA position 3717, T replaced by A.
Protein change: p.Asp1239Glu; replaces aspartic acid 1239 with glutamic acid.
Molecular consequence: missense variant.
Genome position (GRCh38, 1-based): chr8:115,414,191, A>T on the plus strand (T>A on the coding strand, the complement: TRPS1 is on the minus strand). VCF-style: chr8-115414191-A-T. GRCh37 (hg19) VCF-style: chr8-116426419-A-T.
Other names: c.3690T>A, p.Asp1230Glu (NM_001282902.3); c.3696T>A, p.Asp1232Glu (NM_001282903.3); c.3678T>A, p.Asp1226Glu (NM_001330599.2); short protein forms D1226E, D1232E, D1230E, D1239E.
Identifiers: ClinVar variation 2040569 (VCV002040569.5), dbSNP rs969364116, ClinGen allele CA184469277.

ClinVar aggregate classification (germline): Uncertain significance. Review status: criteria provided, multiple submitters, no conflicts (2 of 4 stars). 2 submissions from 2 submitters: Uncertain significance (2). Last evaluated 2025-09-30.

Conditions:
Trichorhinophalangeal syndrome, type III (TRPS3). Also called: SUGIO-KAJII SYNDROME. Identifiers: Orphanet 77258, MedGen C1860823, OMIM 190351, MONDO:0008597.
Trichorhinophalangeal dysplasia type I (TRPS1). Also called: TRPS I; TRICHORHINOPHALANGEAL SYNDROME, TYPE I. Identifiers: Orphanet 77258, MedGen C0432233, MONDO:0008596, OMIM 190350.

Allele frequency attached by ClinVar (database versions not stated): gnomAD 0.00002; TOPMed 0.00002.
gnomAD v4.1: 4 of 1,613,950 alleles (0.00025%); highest among the groups gnomAD compares: African/African-American, 0.004%; no homozygotes.

Submissions (2):

Women's Health and Genetics/Laboratory Corporation of America, LabCorp
Classification: Uncertain significance. Last evaluated: 2025-09-30. Review status: criteria provided, single submitter. Criteria: LabCorp Variant Classification Summary - May 2015. Collection method: clinical testing. Allele origin: germline.
Comment: Variant summary: TRPS1 c.3717T>A (p.Asp1239Glu) results in a conservative amino acid change in the encoded protein sequence. Algorithms developed to predict the effect of missense changes on protein structure and function are either unavailable or do not agree on the potential impact of this missense change. The variant was absent in 249330 control chromosomes. The available data on variant occurrences in the general population are insufficient to allow any conclusion about variant significance. To our knowledge, no occurrence of c.3717T>A in individuals affected with TRPS1-related conditions and no experimental evidence demonstrating its impact on protein function have been reported. ClinVar contains an entry for this variant (Variation ID: 2040569). Based on the evidence outlined above, the variant was classified as uncertain significance.

Labcorp Genetics (formerly Invitae), Labcorp
Classification: Uncertain significance for Trichorhinophalangeal syndrome, type III; Trichorhinophalangeal dysplasia type I. Last evaluated: 2023-06-10. Review status: criteria provided, single submitter. Criteria: Invitae Variant Classification Sherloc (09022015). Collection method: clinical testing. Allele origin: germline.
Comment: In summary, the available evidence is currently insufficient to determine the role of this variant in disease. Therefore, it has been classified as a Variant of Uncertain Significance. Advanced modeling of protein sequence and biophysical properties (such as structural, functional, and spatial information, amino acid conservation, physicochemical variation, residue mobility, and thermodynamic stability) performed at Invitae indicates that this missense variant is expected to disrupt TRPS1 protein function. ClinVar contains an entry for this variant (Variation ID: 2040569). This variant has not been reported in the literature in individuals affected with TRPS1-related conditions. This variant is not present in population databases (gnomAD no frequency). This sequence change replaces aspartic acid, which is acidic and polar, with glutamic acid, which is acidic and polar, at codon 1239 of the TRPS1 protein (p.Asp1239Glu).